The following is an entry in ClinVar:

ClinVar aggregate classification (germline): Pathogenic/Likely pathogenic. Review status: criteria provided, multiple submitters, no conflicts (2 of 4 stars). 10 submissions from 10 submitters: Pathogenic (3); Likely pathogenic (6). 1 of the submissions does not count toward it. Last evaluated 2026-01-05.

Conditions:
Lynch syndrome 4 (LYNCH4). Also called: Hereditary non-polyposis colorectal cancer, type 4; Colorectal cancer, hereditary nonpolyposis, type 4. Identifiers: Orphanet 144, MedGen C1838333, MONDO:0013699, OMIM 614337. Disease mechanism: loss of function.
Hereditary nonpolyposis colorectal neoplasms. Identifiers: MedGen C0009405, MeSH D003123.
Mismatch repair cancer syndrome 4. Identifiers: MedGen C5436817, MONDO:0030843, OMIM 619101.
Hereditary cancer-predisposing syndrome. Also called: Hereditary neoplastic syndrome; Tumor predisposition; Neoplastic Syndromes, Hereditary; Hereditary Cancer Syndrome. Identifiers: Orphanet 140162, MedGen C0027672, MeSH D009386, MONDO:0015356.
Lynch syndrome. Identifiers: Orphanet 144, MedGen C4552100, MONDO:0005835. Disease mechanism: loss of function.

Submissions (10):

Labcorp Genetics (formerly Invitae), Labcorp
Classification: Pathogenic for Hereditary nonpolyposis colorectal neoplasms. Last evaluated: 2026-01-05. Review status: criteria provided, single submitter. Criteria: Invitae Variant Classification Sherloc (09022015). Collection method: clinical testing. Allele origin: germline.
Comment: This sequence change creates a premature translational stop signal (p.Glu180Serfs*21) in the PMS2 gene. RNA analysis indicates that this premature translational stop signal induces altered splicing and may result in an absent or altered protein product. This variant is not present in population databases (gnomAD no frequency). This variant has not been reported in the literature in individuals affected with PMS2-related conditions. Invitae Evidence Modeling of clinical and family history, age, sex, and reported ancestry of multiple individuals with this PMS2 variant has been performed. This variant is expected to be pathogenic with a positive predictive value of at least 99%. This is a validated machine learning model that incorporates the clinical features of 1,627,235 individuals referred to our laboratory for PMS2 testing. This variant is also known as c.537+1del. ClinVar contains an entry for this variant (Variation ID: 419435). Studies have shown that this premature translational stop signal results in skipping of exon 5, and produces a non-functional protein and/or introduces a premature termination codon (internal data). For these reasons, this variant has been classified as Pathogenic.

Color Diagnostics, LLC DBA Color Health
Classification: Likely pathogenic for Hereditary cancer-predisposing syndrome. Last evaluated: 2025-06-20. Review status: criteria provided, single submitter. Criteria: ACMG Guidelines, 2015. Collection method: clinical testing. Allele origin: germline.
Comment: This variant causes a single nucleotide deletion at the +1 position of intron 5 of the PMS2 gene. Splice site prediction tools suggest that this variant may have a significant impact on RNA splicing. Although this prediction has not been confirmed in published RNA studies, this variant is expected to result in an absent or disrupted protein product. This variant has not been reported in individuals affected with PMS2-related disorders in the literature. This variant has not been identified in the general population by the Genome Aggregation Database (gnomAD). Based on the available evidence, this variant is classified as Likely Pathogenic.

Ambry Genetics
Classification: Pathogenic for Hereditary cancer-predisposing syndrome. Last evaluated: 2025-05-09. Review status: criteria provided, single submitter. Criteria: Ambry Variant Classification Scheme 2023. Collection method: clinical testing. Allele origin: germline.
Comment: The c.537+1delG intronic pathogenic mutation, located in intron 5 of the PMS2 gene, results from a deletion of one nucleotide within intron 5 of the PMS2 gene. This variant has been identified in multiple probands whose Lynch syndrome-associated tumor demonstrated high microsatellite instability and/or loss of PMS2 expression by immunohistochemistry (Ambry internal data). This variant is considered to be rare based on population cohorts in the Genome Aggregation Database (gnomAD). This nucleotide position is highly conserved in available vertebrate species. In silico splice site analysis predicts that this alteration will weaken the native splice donor site and will result in the creation or strengthening of a novel splice donor site. RNA studies have demonstrated that this alteration results in abnormal splicing in the set of samples tested (Ambry internal data). Alterations that disrupt the canonical splice site are expected to cause aberrant splicing, resulting in an abnormal protein or a transcript that is subject to nonsense-mediated mRNA decay. As such, this alteration is classified as a disease-causing mutation.

Human Genome Sequencing Center Clinical Lab, Baylor College of Medicine
Classification: Likely pathogenic for Lynch syndrome. Last evaluated: 2023-10-25. Review status: criteria provided, single submitter. Criteria: ACMG Guidelines, 2015. Collection method: clinical testing. Allele origin: unknown.
Comment: The c.537+1del variant in the PMS2 gene is located at the canonical splice site of intron 5 and is predicted to inflict donor loss (SpliceAI delta score: 0.99), resulting in alternative splicing and disrupted protein product. Loss-of-function variants in PMS2 are known to be pathogenic (PMID: 28514183, 25512458, 35223509). The variant is reported in ClinVar (ID: 419435). The variant is absent in the general population database (gnomAD). Therefore, the c.537+1del variant of PMS2 has been classified as likely pathogenic.

Baylor Genetics
Classification: Likely pathogenic for Lynch syndrome 4. Last evaluated: 2023-10-06. Review status: criteria provided, single submitter. Criteria: ACMG Guidelines, 2015. Collection method: clinical testing. Allele origin: unknown.

Myriad Genetics, Inc.
Classification: Likely pathogenic for Lynch syndrome 4. Last evaluated: 2023-09-19. Review status: criteria provided, single submitter. Criteria: Myriad Autosomal Dominant, Autosomal Recessive and X-Linked Classification Criteria (2023). Collection method: clinical testing. Allele origin: unknown.
Comment: This variant is considered likely pathogenic. This variant occurs within a consensus splice junction and is predicted to result in abnormal mRNA splicing of either an out-of-frame exon or an in-frame exon necessary for protein stability and/or normal function.

Mayo Clinic Laboratories, Mayo Clinic
Classification: Likely pathogenic. Last evaluated: 2023-09-13. Review status: criteria provided, single submitter. Criteria: ACMG Guidelines, 2015. Collection method: clinical testing. Allele origin: germline.
Comment: PM2_moderate, PVS1

Fulgent Genetics
Classification: Likely pathogenic for Lynch syndrome 4; Mismatch repair cancer syndrome 4. Last evaluated: 2021-11-15. Review status: criteria provided, single submitter. Criteria: ACMG Guidelines, 2015. Collection method: clinical testing. Allele origin: unknown.

GeneDx
Classification: Pathogenic. Last evaluated: 2015-07-08. Review status: criteria provided, single submitter. Criteria: GeneDx Variant Classification (06012015). Collection method: clinical testing. Allele origin: germline. Affected: yes.
Comment: This pathogenic variant is denoted PMS2 c.537+1delG or IVS5+1delG and consists of a single nucleotide deletion at the +1 position of intron 5 of the PMS2 gene. The variant destroys a canonical splice donor site and is predicted to cause abnormal gene splicing, leading to either an abnormal message that is subject to nonsense-medicated mRNA decay or to an abnormal protein product. This variant has not, to our knowledge, been published in the literature as pathogenic or benign. Based on the current evidence, we consider this variant to be pathogenic.

True Health Diagnostics
Classification: Pathogenic for Hereditary cancer-predisposing syndrome. Last evaluated: 2018-10-03. Review status: no assertion criteria provided. Collection method: clinical testing. Allele origin: germline. Not counted in ClinVar's aggregate classification.

NM_000535.7(PMS2):c.537+1del

Gene: PMS2 (PMS1 homolog 2, mismatch repair system component; minus strand). Cytogenetic location: 7p22.1.
Variant type: Deletion.
Coding change: c.537+1del on transcript NM_000535.7 (MANE Select); the canonical splice donor site of the intron after coding-DNA position 537, one base deleted (G; older notation c.537+1delG).
Molecular consequence: splice donor variant. On other transcripts: intron variant (1).
Genome position (GRCh38, 1-based): chr7:6,002,452, C deleted on the plus strand (G on the coding strand, the reverse complement: PMS2 is on the minus strand); the first of 2 consecutive C bases (chr7:6,002,452-6,002,453); deleting either gives the same sequence. VCF-style (leftmost placement, unchanged base first): chr7-6002451-AC-A. GRCh37 (hg19) VCF-style: chr7-6042082-AC-A.
Other names: c.537+1delG (NM_000535.6, NM_000535.5); c.219+1del (NM_001322008.2, NM_001406902.1, NM_001406883.1 and 4 more transcripts); c.228+1del (NM_001406881.1, NM_001406879.1, NM_001322015.2 and 6 more transcripts); c.132+1del (NM_001406895.1, NM_001406911.1, NM_001322010.2 and 24 more transcripts); c.-348+1del (NM_001322012.2, NM_001322011.2); c.250+1520del (NM_001406885.1); c.537+1del (NM_001406886.1, NM_001406884.1, NM_001406874.1 and 8 more transcripts); c.561+1del (NM_001406868.1); and 1 more.
Identifiers: ClinVar variation 419435 (VCV000419435.20), dbSNP rs1064793868, ClinGen allele CA16618530.